The following is an entry in ClinVar:

ClinVar aggregate classification (germline): Likely benign. Review status: criteria provided, multiple submitters, no conflicts (2 of 4 stars). 3 submissions from 3 submitters: Likely benign (2). 1 of the submissions does not count toward it. Last evaluated 2025-08-20.

Conditions:
GRIN2A-related complex neurodevelopmental disorder. Also called: GRIN2A-related disorder; GRIN2A-related condition. Identifiers: MedGen CN379781, MONDO:1060139.
Landau-Kleffner syndrome (FESD). Also called: EPILEPSY, FOCAL, WITH SPEECH DISORDER AND WITH OR WITHOUT MENTAL RETARDATION; APHASIA, ACQUIRED, WITH EPILEPSY. Identifiers: Orphanet 1945, Orphanet 725, Orphanet 98818, MedGen C0282512, MONDO:0009509, OMIM 245570.

Allele frequency attached by ClinVar (database versions not stated): ExAC 0.00002; gnomAD exomes 0.00004 and 0.00002; TOPMed 0.00002; gnomAD 0.00001.
gnomAD v4.1: 30 of 1,614,076 alleles (0.0019%); highest among the groups gnomAD compares: Middle Eastern, 0.082%; no homozygotes.

Submissions (3):

Labcorp Genetics (formerly Invitae), Labcorp
Classification: Likely benign for Landau-Kleffner syndrome. Last evaluated: 2025-08-20. Review status: criteria provided, single submitter. Criteria: Invitae Variant Classification Sherloc (09022015). Collection method: clinical testing. Allele origin: germline.

GeneDx
Classification: Likely benign. Last evaluated: 2018-04-20. Review status: criteria provided, single submitter. Criteria: GeneDx Variant Classification (06012015). Collection method: clinical testing. Allele origin: germline. Affected: yes.
Comment: This variant is considered likely benign or benign based on one or more of the following criteria: it is a conservative change, it occurs at a poorly conserved position in the protein, it is predicted to be benign by multiple in silico algorithms, and/or has population frequency not consistent with disease.

PreventionGenetics, part of Exact Sciences
Classification: Likely benign for GRIN2A-related condition. Last evaluated: 2019-05-28. Review status: no assertion criteria provided. Collection method: clinical testing. Allele origin: germline. Not counted in ClinVar's aggregate classification.
Comment: This variant is classified as likely benign based on ACMG/AMP sequence variant interpretation guidelines (Richards et al. 2015 PMID: 25741868, with internal and published modifications).

NM_001134407.3(GRIN2A):c.2805T>G (p.Val935=)

Gene: GRIN2A (glutamate ionotropic receptor NMDA type subunit 2A; minus strand). Cytogenetic location: 16p13.2.
Variant type: single nucleotide variant.
Coding change: c.2805T>G on transcript NM_001134407.3 (MANE Select); coding-DNA position 2805, T replaced by G.
Protein change: p.Val935=; no amino-acid change (valine 935 retained).
Molecular consequence: synonymous variant.
Genome position (GRCh38, 1-based): chr16:9,764,739, A>C on the plus strand (T>G on the coding strand, the complement: GRIN2A is on the minus strand). VCF-style: chr16-9764739-A-C. GRCh37 (hg19) VCF-style: chr16-9858596-A-C.
Other names: c.2805T>G, p.Val935= (NM_000833.5, NM_001134408.2).
Identifiers: ClinVar variation 464053 (VCV000464053.12), dbSNP rs762984731, ClinGen allele CA7896420.